The following is an entry in ClinVar:

ClinVar aggregate classification (germline): Uncertain significance. Review status: criteria provided, multiple submitters, no conflicts (2 of 4 stars). 2 submissions from 2 submitters: Uncertain significance (2). Last evaluated 2022-06-24.

Conditions:
Filippi syndrome (FLPIS). Identifiers: Orphanet 3255, MedGen C0795940, MONDO:0010092, OMIM 272440.

Allele frequency attached by ClinVar (database versions not stated): TOPMed 0.00001; gnomAD 0.00010; gnomAD exomes 0.00010 and 0.00017; ExAC 0.00022; 1000 Genomes Project 30x 0.00031; 1000 Genomes Project 0.00040.
gnomAD v4.1: 170 of 1,613,532 alleles (0.011%); highest among the groups gnomAD compares: South Asian, 0.17%; 1 homozygote.

Submissions (2):

Victorian Clinical Genetics Services, Murdoch Childrens Research Institute
Classification: Uncertain significance for Filippi syndrome. Last evaluated: 2022-06-24. Review status: criteria provided, single submitter. Criteria: ACMG Guidelines, 2015. Collection method: clinical testing. Allele origin: germline. Inheritance: Autosomal recessive inheritance.
Comment: Based on the classification scheme VCGS_Germline_v1.3.4, this variant is classified as VUS-3C. Following criteria are met: 0102 - Loss of function is a known mechanism of disease in this gene and is associated with Filippi syndrome (MIM#272440). (I) 0106 - This gene is associated with autosomal recessive disease. (I) 0200 - Variant is predicted to result in a missense amino acid change from arginine to lysine. (I) 0252 - This variant is homozygous. (I) 0304 - Variant is present in gnomAD (v2) <0.01 for a recessive condition (43 heterozygotes, homozygotes). (SP) 0503 - Missense variant with conflicting in silico predictions and not conserved in placental mammals with a minor amino acid change. (SB) 0604 - Variant is not located in an established domain, motif, hotspot or informative constraint region. (I) 0705 - No comparable missense variants have previous evidence for pathogenicity. (I) 0809 - Previous evidence of pathogenicity for this variant is inconclusive. This variant has been reported as VUS once in ClinVar. (I) 0905 - No published segregation evidence has been identified for this variant. (I) 1007 - No published functional evidence has been identified for this variant. (I) Legend: (SP) - Supporting pathogenic, (I) - Information, (SB) - Supporting benign

Labcorp Genetics (formerly Invitae), Labcorp
Classification: Uncertain significance. Last evaluated: 2021-09-17. Review status: criteria provided, single submitter. Criteria: Invitae Variant Classification Sherloc (09022015). Collection method: clinical testing. Allele origin: germline.
Comment: This sequence change replaces arginine with lysine at codon 347 of the CKAP2L protein (p.Arg347Lys). The arginine residue is moderately conserved and there is a small physicochemical difference between arginine and lysine. This variant is present in population databases (rs551009951, ExAC 0.2%). This variant has not been reported in the literature in individuals affected with CKAP2L-related conditions. Algorithms developed to predict the effect of missense changes on protein structure and function output the following: SIFT: "Tolerated"; PolyPhen-2: "Benign"; Align-GVGD: "Class C0". The lysine amino acid residue is found in multiple mammalian species, which suggests that this missense change does not adversely affect protein function. In summary, the available evidence is currently insufficient to determine the role of this variant in disease. Therefore, it has been classified as a Variant of Uncertain Significance.

NM_152515.5(CKAP2L):c.1040G>A (p.Arg347Lys)

Gene: CKAP2L (cytoskeleton associated protein 2 like; minus strand). Cytogenetic location: 2q14.1.
Variant type: single nucleotide variant.
Coding change: c.1040G>A on transcript NM_152515.5 (MANE Select); coding-DNA position 1040, G replaced by A.
Protein change: p.Arg347Lys; replaces arginine 347 with lysine.
Molecular consequence: missense variant.
Genome position (GRCh38, 1-based): chr2:112,756,331, C>T on the plus strand (G>A on the coding strand, the complement: CKAP2L is on the minus strand). VCF-style: chr2-112756331-C-T. GRCh37 (hg19) VCF-style: chr2-113513908-C-T.
Other names: c.545G>A, p.Arg182Lys (NM_001304361.2); short protein forms R347K, R182K.
Identifiers: ClinVar variation 1392044 (VCV001392044.7), dbSNP rs551009951, ClinGen allele CA1836739.